The following is an entry in ClinVar:

ClinVar aggregate classification (germline): Uncertain significance (1 of 4 stars; one submission).

Conditions:
Charcot-Marie-Tooth disease dominant intermediate B (CMTDIB). Also called: CHARCOT-MARIE-TOOTH NEUROPATHY, DOMINANT INTERMEDIATE B; Charcot-Marie-Tooth disease dominant intermediate 1; CMT DI1; Charcot-Marie-Tooth disease dominant intermediate I. Identifiers: Orphanet 100044, Orphanet 228179, MedGen C1847902, MONDO:0011674, OMIM 606482.

Allele frequency attached by ClinVar (database versions not stated): gnomAD exomes below 0.00001.

Submission:

Labcorp Genetics (formerly Invitae), Labcorp
Classification: Uncertain significance for Charcot-Marie-Tooth disease dominant intermediate B. Last evaluated: 2022-11-20. Review status: criteria provided, single submitter. Criteria: Invitae Variant Classification Sherloc (09022015). Collection method: clinical testing. Allele origin: germline.
Comment: This variant has not been reported in the literature in individuals affected with DNM2-related conditions. This variant is not present in population databases (gnomAD no frequency). This sequence change creates a premature translational stop signal (p.Leu793Aspfs*30) in the DNM2 gene. It is expected to result in an absent or disrupted protein product. However, the current clinical and genetic evidence is not sufficient to establish whether loss-of-function variants in DNM2 cause disease. This premature translational stop signal has been observed in at least one individual who was not affected with DNM2-related conditions (Invitae). In summary, the available evidence is currently insufficient to determine the role of this variant in disease. Therefore, it has been classified as a Variant of Uncertain Significance.

NM_001005361.3(DNM2):c.2377_2378del (p.Leu793fs)

Gene: DNM2 (dynamin 2; plus strand). Cytogenetic location: 19p13.2.
Variant type: Deletion.
Coding change: c.2377_2378del on transcript NM_001005361.3 (MANE Select); coding-DNA positions 2377 to 2378, 2 bases deleted (CT; older notation c.2377_2378delCT).
Protein change: p.Leu793fs; shifts the reading frame from leucine 793.
Molecular consequence: frameshift variant.
Genome position (GRCh38, 1-based): chr19:10,830,212-10,830,213, CT deleted. VCF-style (leftmost placement, unchanged base first): chr19-10830211-CCT-C. GRCh37 (hg19) VCF-style: chr19-10940887-CCT-C.
Other names: c.2377_2378del, p.Leu793fs (NM_001005360.3, NM_001190716.2); c.2365_2366del, p.Leu789fs (NM_001005362.3, NM_004945.4); short protein forms L789fs, L793fs.
Identifiers: ClinVar variation 2145002 (VCV002145002.4), dbSNP rs2513377094, ClinGen allele CA645605393.